The following is an entry in ClinVar:

NM_001205293.3(CACNA1E):c.5590A>T (p.Thr1864Ser)

Gene: CACNA1E (calcium voltage-gated channel subunit alpha1 E; plus strand). Cytogenetic location: 1q25.3.
Variant type: single nucleotide variant.
Coding change: c.5590A>T on transcript NM_001205293.3 (MANE Select); coding-DNA position 5590, A replaced by T.
Protein change: p.Thr1864Ser; replaces threonine 1864 with serine.
Molecular consequence: missense variant.
Genome position (GRCh38, 1-based): chr1:181,785,329, A>T. VCF-style: chr1-181785329-A-T. GRCh37 (hg19) VCF-style: chr1-181754465-A-T.
Other names: c.5590A>T, p.Thr1864Ser (NM_000721.4); c.5533A>T, p.Thr1845Ser (NM_001205294.2); short protein forms T1845S, T1864S.
Identifiers: ClinVar variation 1676518 (VCV001676518.3), dbSNP rs2102844943, ClinGen allele CA343631342.

ClinVar aggregate classification (germline): Uncertain significance (1 of 4 stars; one submission).

Submission:

Greenwood Genetic Center Diagnostic Laboratories, Greenwood Genetic Center
Classification: Uncertain significance. Last evaluated: 2022-01-12. Review status: criteria provided, single submitter. Criteria: ACMG Guidelines, 2015. Collection method: clinical testing. Allele origin: germline. Affected: yes.
Comment: PP2, PP3, PM2